The following is an entry in ClinVar:

ClinVar aggregate classification (germline): Likely benign (1 of 4 stars; one submission).

Allele frequency attached by ClinVar (database versions not stated): 1000 Genomes Project 30x 0.00016; 1000 Genomes Project 0.00020; gnomAD 0.00058; ESP Exome Variant Server 0.00070.
gnomAD v4.1: 1,028 of 1,588,824 alleles (0.065%); highest among the groups gnomAD compares: Non-Finnish European, 0.072%; 1 homozygote.

Submission:

CeGaT Center for Human Genetics Tuebingen
Classification: Likely benign. Last evaluated: 2025-11-01. Review status: criteria provided, single submitter. Criteria: CeGaT Center For Human Genetics Tuebingen Variant Classification Criteria Version 2. Collection method: clinical testing. Allele origin: germline. Affected: yes. Observed: 8 variant alleles.
Comment: DALRD3: BP4, BP7

NM_001009996.3(DALRD3):c.96C>A (p.Thr32=)

Gene: DALRD3 (DALR anticodon binding domain containing 3; minus strand). Cytogenetic location: 3p21.31.
Variant type: single nucleotide variant.
Coding change: c.96C>A on transcript NM_001009996.3 (MANE Select); coding-DNA position 96, C replaced by A.
Protein change: p.Thr32=; no amino-acid change (threonine 32 retained).
Molecular consequence: synonymous variant. On other transcripts: intron variant (1).
Genome position (GRCh38, 1-based): chr3:49,018,469, G>T on the plus strand (C>A on the coding strand, the complement: DALRD3 is on the minus strand). VCF-style: chr3-49018469-G-T. GRCh37 (hg19) VCF-style: chr3-49055902-G-T.
Other names: c.96C>A, p.Thr32= (NM_001276405.2); c.-336-151C>A (NM_018114.6).
Identifiers: ClinVar variation 2653816 (VCV002653816.24), dbSNP rs375207499, ClinGen allele CA2390026.
Genomic context (GRCh38, chr3:49,018,469, plus strand): 5'-ATCGAAGCGCGCCTGCAGCGCGCGGTGCGGTGCCAGAAAGTCTCGGGAACGCAGGTGGCG[G>T]GTGCGCGTCTCCTTGATCCACACCGGACCGCCTGGCCCCAGGGCCGCGTTGAGGGCCCCC-3'
Protein context (NP_001009996.1, residues 22-42): GGPVWIKETR[Thr32=]RHLRSRDFLA